The following is an entry in ClinVar:

ClinVar aggregate classification (germline): Uncertain significance (1 of 4 stars; one submission).

Submission:

Greenwood Genetic Center Diagnostic Laboratories, Greenwood Genetic Center
Classification: Uncertain significance. Last evaluated: 2025-06-18. Review status: criteria provided, single submitter. Criteria: ACMG Guidelines, 2015. Collection method: clinical testing. Allele origin: germline. Affected: yes.
Comment: PM2, PP3

NM_006950.3(SYN1):c.1226T>C (p.Leu409Pro)

Gene: SYN1 (synapsin I; minus strand). Cytogenetic location: Xp11.3.
Variant type: single nucleotide variant.
Coding change: c.1226T>C on transcript NM_006950.3 (MANE Select); coding-DNA position 1226, T replaced by C.
Protein change: p.Leu409Pro; replaces leucine 409 with proline.
Molecular consequence: missense variant.
Genome position (GRCh38, 1-based): chrX:47,575,207, A>G on the plus strand (T>C on the coding strand, the complement: SYN1 is on the minus strand). VCF-style: chrX-47575207-A-G. GRCh37 (hg19) VCF-style: chrX-47434606-A-G.
Other names: c.1226T>C, p.Leu409Pro (NM_133499.2); short protein forms L409P.
Identifiers: ClinVar variation 4538327 (VCV004538327.1).